The following is an entry in ClinVar:

NM_000081.4(LYST):c.4705A>G (p.Asn1569Asp)

Gene: LYST (lysosomal trafficking regulator; minus strand). Cytogenetic location: 1q42.3.
Variant type: single nucleotide variant.
Coding change: c.4705A>G on transcript NM_000081.4 (MANE Select); coding-DNA position 4705, A replaced by G.
Protein change: p.Asn1569Asp; replaces asparagine 1569 with aspartic acid.
Molecular consequence: missense variant.
Genome position (GRCh38, 1-based): chr1:235,787,357, T>C on the plus strand (A>G on the coding strand, the complement: LYST is on the minus strand). VCF-style: chr1-235787357-T-C. GRCh37 (hg19) VCF-style: chr1-235950657-T-C.
Other names: c.4705A>G, p.Asn1569Asp (NM_001301365.1); short protein forms N1569D.
Identifiers: ClinVar variation 3666788 (VCV003666788.2).
Genomic context (GRCh38, chr1:235,787,357, plus strand): 5'-GGAGGAAAATATTCTCCTGTGATTCAACCTGTGCTAGTAAAACAGCTTTCATGTCATCAT[T>C]TGAATCCATGCACACACTACAGAAAAAGAGAAAAGGCATAGGCTGAAAACATGAAAATTC-3'
Protein context (NP_000072.2, residues 1559-1579): TLIFRVCMDS[Asn1569Asp]DDMKAVLLAQ

ClinVar aggregate classification (germline): Uncertain significance (1 of 4 stars; one submission).

Conditions:
Chédiak-Higashi syndrome (CHS). Also called: Chediak-Higashi Syndrome. Identifiers: Orphanet 167, MedGen C0007965, MONDO:0008963, OMIM 214500.

Submission:

Labcorp Genetics (formerly Invitae), Labcorp
Classification: Uncertain significance for Chédiak-Higashi syndrome. Last evaluated: 2024-09-17. Review status: criteria provided, single submitter. Criteria: Invitae Variant Classification Sherloc (09022015). Collection method: clinical testing. Allele origin: germline.
Comment: This sequence change replaces asparagine, which is neutral and polar, with aspartic acid, which is acidic and polar, at codon 1569 of the LYST protein (p.Asn1569Asp). This variant is not present in population databases (gnomAD no frequency). This variant has not been reported in the literature in individuals affected with LYST-related conditions. Invitae Evidence Modeling of protein sequence and biophysical properties (such as structural, functional, and spatial information, amino acid conservation, physicochemical variation, residue mobility, and thermodynamic stability) indicates that this missense variant is not expected to disrupt LYST protein function with a negative predictive value of 80%. In summary, the available evidence is currently insufficient to determine the role of this variant in disease. Therefore, it has been classified as a Variant of Uncertain Significance.